The following is an entry in ClinVar:

ClinVar aggregate classification (germline): Uncertain significance (1 of 4 stars; one submission).

Submission:

GeneDx
Classification: Uncertain significance. Last evaluated: 2024-07-06. Review status: criteria provided, single submitter. Criteria: GeneDx Variant Classification Process June 2021. Collection method: clinical testing. Allele origin: germline. Affected: yes.
Comment: Not observed at significant frequency in large population cohorts (gnomAD); In silico analysis indicates that this missense variant does not alter protein structure/function; Has not been previously published as pathogenic or benign to our knowledge

NM_001372044.2(SHANK3):c.3349G>A (p.Ala1117Thr)

Gene: SHANK3 (SH3 and multiple ankyrin repeat domains 3; plus strand). Cytogenetic location: 22q13.33.
Variant type: single nucleotide variant.
Coding change: c.3349G>A on transcript NM_001372044.2 (MANE Select); coding-DNA position 3349, G replaced by A.
Protein change: p.Ala1117Thr; replaces alanine 1117 with threonine.
Molecular consequence: missense variant.
Genome position (GRCh38, 1-based): chr22:50,720,957, G>A. VCF-style: chr22-50720957-G-A. GRCh37 (hg19) VCF-style: chr22-51159385-G-A.
Other names: c.3124G>A (NM_033517.1); short protein forms A1117T.
Identifiers: ClinVar variation 3393617 (VCV003393617.1).